The following is an entry in ClinVar:

NC_000011.9:g.(?_66297270)_(66299508_?)del

Gene: BBS1 (Bardet-Biedl syndrome 1; plus strand). Cytogenetic location: 11q13.2.
Variant type: Deletion.
Identifiers: ClinVar variation 3244597 (VCV003244597.1).

ClinVar aggregate classification (germline): Pathogenic (1 of 4 stars; one submission).

Conditions:
Bardet-Biedl syndrome (BBS). Identifiers: Orphanet 110, MedGen C0752166, MONDO:0015229.

Submission:

Labcorp Genetics (formerly Invitae), Labcorp
Classification: Pathogenic for Bardet-Biedl syndrome. Last evaluated: 2023-04-30. Review status: criteria provided, single submitter. Criteria: Invitae Variant Classification Sherloc (09022015). Collection method: clinical testing. Allele origin: unknown.
Comment: For these reasons, this variant has been classified as Pathogenic. This variant disrupts a region of the BBS1 protein in which other variant(s) (p.Leu539Cysfs*40) have been determined to be pathogenic (PMID: 25170860, 29099798; Invitae). This suggests that this is a clinically significant region of the protein, and that variants that disrupt it are likely to be disease-causing. A similar copy number variant has been observed in individual(s) with Bardet-Biedl syndrome (PMID: 27486776). This variant is a gross deletion of the genomic region encompassing exon(s) 14-17 of the BBS1 gene, which includes the termination codon. This deletion extends beyond the assayed region for this gene and therefore may encompass additional genes. While this deletion is not anticipated to lead to nonsense mediated decay, it is expected to alter mRNA translation or result in a truncated protein product.

Literature cited by the submitters: PubMed 25170860; PubMed 29099798; PubMed 27486776.